The following is an entry in ClinVar:

NM_020184.4(CNNM4):c.426C>G (p.Ser142Arg)

Gene: CNNM4 (cyclin and CBS domain divalent metal cation transport mediator 4; plus strand). Cytogenetic location: 2q11.2.
Variant type: single nucleotide variant.
Coding change: c.426C>G on transcript NM_020184.4 (MANE Select); coding-DNA position 426, C replaced by G.
Protein change: p.Ser142Arg; replaces serine 142 with arginine.
Molecular consequence: missense variant.
Genome position (GRCh38, 1-based): chr2:96,761,425, C>G. VCF-style: chr2-96761425-C-G. GRCh37 (hg19) VCF-style: chr2-97427162-C-G.
Other names: short protein forms S142R.
Identifiers: ClinVar variation 1484748 (VCV001484748.7), dbSNP rs1362076464, ClinGen allele CA347713716.

ClinVar aggregate classification (germline): Uncertain significance (1 of 4 stars; one submission).

gnomAD v4.1: 1 of 1,614,078 alleles (0.000062%); highest among the groups gnomAD compares: Non-Finnish European, 0.000085%; no homozygotes.

Submission:

Labcorp Genetics (formerly Invitae), Labcorp
Classification: Uncertain significance. Last evaluated: 2020-11-14. Review status: criteria provided, single submitter. Criteria: Invitae Variant Classification Sherloc (09022015). Collection method: clinical testing. Allele origin: germline.
Comment: This sequence change replaces serine with arginine at codon 142 of the CNNM4 protein (p.Ser142Arg). The serine residue is moderately conserved and there is a moderate physicochemical difference between serine and arginine. This variant is not present in population databases (ExAC no frequency). This variant has not been reported in the literature in individuals with CNNM4-related conditions. Algorithms developed to predict the effect of missense changes on protein structure and function are either unavailable or do not agree on the potential impact of this missense change (SIFT: "Tolerated"; PolyPhen-2: "Possibly Damaging"; Align-GVGD: "Class C0"). In summary, the available evidence is currently insufficient to determine the role of this variant in disease. Therefore, it has been classified as a Variant of Uncertain Significance.